The following is an entry in ClinVar:

NM_000046.5(ARSB):c.1258C>G (p.Pro420Ala)

Gene: ARSB (arylsulfatase B; minus strand). Cytogenetic location: 5q14.1.
Variant type: single nucleotide variant.
Coding change: c.1258C>G on transcript NM_000046.5 (MANE Select); coding-DNA position 1258, C replaced by G.
Protein change: p.Pro420Ala; replaces proline 420 with alanine.
Molecular consequence: missense variant.
Genome position (GRCh38, 1-based): chr5:78,781,930, G>C on the plus strand (C>G on the coding strand, the complement: ARSB is on the minus strand). VCF-style: chr5-78781930-G-C. GRCh37 (hg19) VCF-style: chr5-78077753-G-C.
Other names: short protein forms P420A.
Identifiers: ClinVar variation 643401 (VCV000643401.5), dbSNP rs769542268, ClinGen allele CA3318038.

ClinVar aggregate classification (germline): Uncertain significance. Review status: criteria provided, multiple submitters, no conflicts (2 of 4 stars). 3 submissions from 3 submitters: Uncertain significance (2). 1 of the submissions does not count toward it. Last evaluated 2023-02-28.

Conditions:
Mucopolysaccharidosis type 6 (MPS6). Also called: MPS 6; Maroteaux Lamy syndrome; MPS VI; ARSB DEFICIENCY; ARYLSULFATASE B DEFICIENCY; N-ACETYLGALACTOSAMINE-4-SULFATASE DEFICIENCY. Identifiers: Orphanet 583, MedGen C0026709, MONDO:0009661, OMIM 253200.
Inborn genetic diseases. Identifiers: MedGen C0950123, MeSH D030342.

Allele frequency attached by ClinVar (database versions not stated): ExAC 0.00001; gnomAD exomes 0.00003; TOPMed 0.00003; gnomAD 0.00009.
gnomAD v4.1: 23 of 1,614,018 alleles (0.0014%); highest among the groups gnomAD compares: Admixed American, 0.038%; no homozygotes.

Submissions (3):

Ambry Genetics
Classification: Uncertain significance for Inborn genetic diseases. Last evaluated: 2023-02-28. Review status: criteria provided, single submitter. Criteria: Ambry Variant Classification Scheme 2023. Collection method: clinical testing. Allele origin: germline.

Labcorp Genetics (formerly Invitae), Labcorp
Classification: Uncertain significance for Mucopolysaccharidosis type 6. Last evaluated: 2022-05-13. Review status: criteria provided, single submitter. Criteria: Invitae Variant Classification Sherloc (09022015). Collection method: clinical testing. Allele origin: germline.
Comment: This sequence change replaces proline, which is neutral and non-polar, with alanine, which is neutral and non-polar, at codon 420 of the ARSB protein (p.Pro420Ala). This variant is present in population databases (rs769542268, gnomAD 0.02%). This variant has not been reported in the literature in individuals affected with ARSB-related conditions. ClinVar contains an entry for this variant (Variation ID: 643401). Advanced modeling of protein sequence and biophysical properties (such as structural, functional, and spatial information, amino acid conservation, physicochemical variation, residue mobility, and thermodynamic stability) performed at Invitae indicates that this missense variant is not expected to disrupt ARSB protein function. In summary, the available evidence is currently insufficient to determine the role of this variant in disease. Therefore, it has been classified as a Variant of Uncertain Significance.

Natera, Inc.
Classification: Uncertain significance for Mucopolysaccharidosis type VI. Last evaluated: 2020-09-16. Review status: no assertion criteria provided. Collection method: clinical testing. Allele origin: germline. Not counted in ClinVar's aggregate classification.